The following is an entry in ClinVar:

NM_182961.4(SYNE1):c.22497G>C (p.Leu7499Phe)

Gene: SYNE1 (spectrin repeat containing nuclear envelope protein 1; minus strand). Cytogenetic location: 6q25.2.
Variant type: single nucleotide variant.
Coding change: c.22497G>C on transcript NM_182961.4 (MANE Select); coding-DNA position 22497, G replaced by C.
Protein change: p.Leu7499Phe; replaces leucine 7499 with phenylalanine.
Molecular consequence: missense variant.
Genome position (GRCh38, 1-based): chr6:152,211,586, C>G on the plus strand (G>C on the coding strand, the complement: SYNE1 is on the minus strand). VCF-style: chr6-152211586-C-G. GRCh37 (hg19) VCF-style: chr6-152532721-C-G.
Other names: c.22284G>C, p.Leu7428Phe (NM_033071.5); short protein forms L7428F, L7499F.
Identifiers: ClinVar variation 355824 (VCV000355824.14), dbSNP rs886061196, ClinGen allele CA10623263.

ClinVar aggregate classification (germline): Uncertain significance. Review status: criteria provided, multiple submitters, no conflicts (2 of 4 stars). 4 submissions from 3 submitters: Uncertain significance (4). Last evaluated 2022-05-20.

Conditions:
Autosomal recessive ataxia, Beauce type. Also called: SYNE1 Deficiency; SYNE1-Related Autosomal Recessive Cerebellar Ataxia; Spinocerebellar ataxia, autosomal recessive 8; ATAXIA, RECESSIVE, OF BEAUCE. Identifiers: Orphanet 88644, MedGen C1853116, MONDO:0012549, OMIM 610743.
Emery-Dreifuss muscular dystrophy 4, autosomal dominant (EDMD4). Also called: EMERY-DREIFUSS MUSCULAR DYSTROPHY 4 WITH VARIABLE FEATURES. Identifiers: Orphanet 261, MedGen C2751807, MONDO:0013071, OMIM 612998.

Allele frequency attached by ClinVar (database versions not stated): gnomAD exomes below 0.00001 and 0.00002; gnomAD 0.00002; TOPMed 0.00002.
gnomAD v4.1: 29 of 1,612,612 alleles (0.0018%); highest among the groups gnomAD compares: Non-Finnish European, 0.0024%; no homozygotes.

Submissions (4):

Labcorp Genetics (formerly Invitae), Labcorp
Classification: Uncertain significance for Emery-Dreifuss muscular dystrophy 4, autosomal dominant; Autosomal recessive ataxia, Beauce type. Last evaluated: 2022-05-20. Review status: criteria provided, single submitter. Criteria: Invitae Variant Classification Sherloc (09022015). Collection method: clinical testing. Allele origin: germline.
Comment: This sequence change replaces leucine, which is neutral and non-polar, with phenylalanine, which is neutral and non-polar, at codon 7428 of the SYNE1 protein (p.Leu7428Phe). This variant is present in population databases (no rsID available, gnomAD 0.0009%). This variant has not been reported in the literature in individuals affected with SYNE1-related conditions. ClinVar contains an entry for this variant (Variation ID: 355824). Algorithms developed to predict the effect of missense changes on protein structure and function are either unavailable or do not agree on the potential impact of this missense change (SIFT: "Deleterious"; PolyPhen-2: "Probably Damaging"; Align-GVGD: "Class C15"). In summary, the available evidence is currently insufficient to determine the role of this variant in disease. Therefore, it has been classified as a Variant of Uncertain Significance.

Revvity Omics, Revvity
Classification: Uncertain significance. Last evaluated: 2021-04-27. Review status: criteria provided, single submitter. Criteria: ACMG Guidelines, 2015. Collection method: clinical testing. Allele origin: germline.

Illumina Laboratory Services, Illumina
Classification: Uncertain significance for Autosomal recessive ataxia, Beauce type. Last evaluated: 2018-01-12. Review status: criteria provided, single submitter. Criteria: ICSL Variant Classification Criteria 13 December 2019. Collection method: clinical testing. Allele origin: germline.

Illumina Laboratory Services, Illumina
Classification: Uncertain significance for Emery-Dreifuss muscular dystrophy 4, autosomal dominant. Last evaluated: 2018-01-12. Review status: criteria provided, single submitter. Criteria: ICSL Variant Classification Criteria 13 December 2019. Collection method: clinical testing. Allele origin: germline.